The following is an entry in ClinVar:

ClinVar aggregate classification (germline): Pathogenic (1 of 4 stars; one submission).

Submission:

Labcorp Genetics (formerly Invitae), Labcorp
Classification: Pathogenic. Last evaluated: 2025-12-14. Review status: criteria provided, single submitter. Criteria: Invitae Variant Classification Sherloc (09022015). Collection method: clinical testing. Allele origin: germline.
Comment: This sequence change creates a premature translational stop signal (p.Cys263Phefs*6) in the MCPH1 gene. It is expected to result in an absent or disrupted protein product. Loss-of-function variants in MCPH1 are known to be pathogenic (PMID: 20978018). This variant is not present in population databases (gnomAD no frequency). This variant has not been reported in the literature in individuals affected with MCPH1-related conditions. For these reasons, this variant has been classified as Pathogenic.

Literature cited by the submitters: PubMed 20978018.

NM_024596.5(MCPH1):c.786_789del (p.Cys263fs)

Gene: MCPH1 (microcephalin 1; plus strand). Cytogenetic location: 8p23.1.
Variant type: Microsatellite.
Coding change: c.786_789del on transcript NM_024596.5 (MANE Select); coding-DNA positions 786 to 789, 4 bases deleted (GTGT; older notation c.786_789delGTGT).
Protein change: p.Cys263fs; shifts the reading frame from cysteine 263.
Molecular consequence: frameshift variant. On other transcripts: non-coding transcript variant (1).
Genome position (GRCh38, 1-based): chr8:6,444,508-6,444,511, GTGT deleted; deleting any 4 consecutive bases within chr8:6,444,505-6,444,511 gives the same sequence; the c. name uses the placement nearest the transcript's 3' end. VCF-style (leftmost placement, unchanged base first): chr8-6444504-ATGTG-A. GRCh37 (hg19) VCF-style: chr8-6302025-ATGTG-A.
Other names: c.786_789del, p.Cys263fs (NM_001172574.2, NM_001322042.2, NM_001363979.1 and 3 more transcripts); c.642_645del, p.Cys215fs (NM_001172575.2); c.780_783del, p.Cys261fs (NM_001322043.2); c.684_687del, p.Cys229fs (NM_001322045.2); short protein forms C261fs, C215fs, C263fs, C229fs.
Identifiers: ClinVar variation 4704840 (VCV004704840.1).